The following is an entry in ClinVar:

NM_020750.3(XPO5):c.-5T>A

Gene: XPO5 (exportin 5; minus strand). Cytogenetic location: 6p21.1.
Variant type: single nucleotide variant.
Coding change: c.-5T>A on transcript NM_020750.3 (MANE Select); 5 bases upstream of the start codon, T replaced by A.
Molecular consequence: 5 prime UTR variant. On other transcripts: non-coding transcript variant (1).
Genome position (GRCh38, 1-based): chr6:43,575,869, A>T on the plus strand (T>A on the coding strand, the complement: XPO5 is on the minus strand). VCF-style: chr6-43575869-A-T. GRCh37 (hg19) VCF-style: chr6-43543606-A-T.
Identifiers: ClinVar variation 3036327 (VCV003036327.2), dbSNP rs767010581, ClinGen allele CA3826828.

ClinVar aggregate classification (germline): Likely benign (0 of 4 stars; one submission).

Conditions:
XPO5-related disorder. Also called: XPO5-related condition.

Allele frequency attached by ClinVar (database versions not stated): TOPMed 0.00003; ExAC 0.00008; gnomAD 0.00008.
gnomAD v4.1: 224 of 1,613,268 alleles (0.014%); highest among the groups gnomAD compares: Non-Finnish European, 0.018%; no homozygotes.

Submission:

PreventionGenetics, part of Exact Sciences
Classification: Likely benign for XPO5-related condition. Last evaluated: 2023-10-04. Review status: no assertion criteria provided. Collection method: clinical testing. Allele origin: germline.
Comment: This variant is classified as likely benign based on ACMG/AMP sequence variant interpretation guidelines (Richards et al. 2015 PMID: 25741868, with internal and published modifications).